The following is an entry in ClinVar:

NM_001363118.2(SLC52A2):c.587TCT[1] (p.Phe197del)

Gene: SLC52A2 (solute carrier family 52 member 2; plus strand). Cytogenetic location: 8q24.3.
Variant type: Microsatellite.
Coding change: c.587TCT[1] on transcript NM_001363118.2 (MANE Select); one copy of the 3-base unit TCT starting at c.587; the reference has two copies in a row; one copy, 3 bases deleted.
Protein change: p.Phe197del; deletes phenylalanine 197.
Molecular consequence: inframe deletion. On other transcripts: non-coding transcript variant (1), intron variant (1).
Genome position (GRCh38, 1-based): chr8:144,360,082-144,360,084, TCT deleted; deleting any 3 consecutive bases within chr8:144,360,077-144,360,084 gives the same sequence; the position shown is the placement nearest the transcript's 3' end. VCF-style (leftmost placement, unchanged base first): chr8-144360076-CCTT-C. GRCh37 (hg19) VCF-style: chr8-145583736-CCTT-C.
Other names: c.587TCT[1], p.Phe197del (NM_024531.5, NM_001253815.2, NM_001253816.2 and 2 more transcripts); c.131-33_131-31del (NM_001363122.2); short protein forms F197del.
Identifiers: ClinVar variation 1482928 (VCV001482928.8), dbSNP rs781879748, ClinGen allele CA4938231.

ClinVar aggregate classification (germline): Uncertain significance (1 of 4 stars; one submission).

Conditions:
Brown-Vialetto-van Laere syndrome 2. Also called: Riboflavin transporter deficiency type 2; SPINOCEREBELLAR ATAXIA WITH BLINDNESS AND DEAFNESS 2. Identifiers: Orphanet 572543, Orphanet 97229, MedGen C3553538, MONDO:0013867, OMIM 614707.

Submission:

Labcorp Genetics (formerly Invitae), Labcorp
Classification: Uncertain significance for Brown-Vialetto-van Laere syndrome 2. Last evaluated: 2021-02-09. Review status: criteria provided, single submitter. Criteria: Invitae Variant Classification Sherloc (09022015). Collection method: clinical testing. Allele origin: germline.
Comment: This variant, c.590_592del, results in the deletion of 1 amino acid(s) of the SLC52A2 protein (p.Phe197del), but otherwise preserves the integrity of the reading frame. This variant is present in population databases (rs781879748, ExAC 0.01%). This variant has not been reported in the literature in individuals with SLC52A2-related conditions. Experimental studies and prediction algorithms are not available or were not evaluated, and the functional significance of this variant is currently unknown. In summary, the available evidence is currently insufficient to determine the role of this variant in disease. Therefore, it has been classified as a Variant of Uncertain Significance.